The following is an entry in ClinVar:

ClinVar aggregate classification (germline): Pathogenic/Likely pathogenic. Review status: criteria provided, multiple submitters, no conflicts (2 of 4 stars). 3 submissions from 3 submitters: Pathogenic (1); Likely pathogenic (2). Last evaluated 2026-06-16.

Conditions:
COL4A3-related disorder. Also called: COL4A3-related condition; COL4A3-Related Disorders.
Alport syndrome. Also called: Hemorrhagic familial nephritis; Hemorrhagic hereditary nephritis; Congenital hereditary hematuria. Identifiers: Orphanet 63, MedGen C1567741, MONDO:0018965.

Submissions (3):

PreventionGenetics, part of Exact Sciences
Classification: Likely pathogenic for COL4A3-related condition. Last evaluated: 2026-06-16. Review status: criteria provided, single submitter. Criteria: ACMG Guidelines, 2015. Collection method: clinical testing. Allele origin: germline.
Comment: The COL4A3 c.3119_3120delGA variant is predicted to result in a frameshift and premature protein termination (p.Arg1040Thrfs*13). To our knowledge, this variant has not been reported in the literature. This variant is reported in 0.0029% of alleles in individuals of Latino descent in gnomAD. Frameshift variants in COL4A3 are expected to be pathogenic. This variant is interpreted as likely pathogenic.

Natera, Inc.
Classification: Likely pathogenic for Alport syndrome. Last evaluated: 2024-12-09. Review status: criteria provided, single submitter. Criteria: Natera Variant Classification Schema (03/2026). Collection method: clinical testing. Allele origin: germline.
Comment: The c.3119_3120del variant in COL4A3 is a frameshift variant predicted to shift the reading frame beginning at codon 1040 and leads to a stop codon 13 codons downstream. This variant is expected to result in nonsense mediated decay, truncation, or a dysfunctional protein product. This variant is rare in the general population with a frequency below the threshold expected for the associated phenotype(s). Given the available evidence, this variant is classified as Likely Pathogenic.

Labcorp Genetics (formerly Invitae), Labcorp
Classification: Pathogenic. Last evaluated: 2024-11-19. Review status: criteria provided, single submitter. Criteria: Invitae Variant Classification Sherloc (09022015). Collection method: clinical testing. Allele origin: germline.
Comment: This sequence change creates a premature translational stop signal (p.Arg1040Thrfs*13) in the COL4A3 gene. It is expected to result in an absent or disrupted protein product. Loss-of-function variants in COL4A3 are known to be pathogenic (PMID: 8956999, 24854265, 26809805, 27281700). This variant is present in population databases (no rsID available, gnomAD 0.003%). This variant has not been reported in the literature in individuals affected with COL4A3-related conditions. ClinVar contains an entry for this variant (Variation ID: 938341). For these reasons, this variant has been classified as Pathogenic.

Literature cited by the submitters: PubMed 8956999 (cited by Labcorp Genetics (formerly Invitae), Labcorp); PubMed 24854265 (cited by Labcorp Genetics (formerly Invitae), Labcorp); PubMed 26809805 (cited by Labcorp Genetics (formerly Invitae), Labcorp); PubMed 27281700 (cited by Labcorp Genetics (formerly Invitae), Labcorp).

NM_000091.5(COL4A3):c.3119_3120del (p.Arg1040fs)

Genes: COL4A3 (collagen type IV alpha 3 chain; plus strand), MFF-DT (MFF divergent transcript; minus strand). Cytogenetic location: 2q36.3.
Variant type: Deletion.
Coding change: c.3119_3120del on transcript NM_000091.5 (MANE Select); coding-DNA positions 3119 to 3120, 2 bases deleted (GA; older notation c.3119_3120delGA).
Protein change: p.Arg1040fs; shifts the reading frame from arginine 1040.
Molecular consequence: frameshift variant.
Genome position (GRCh38, 1-based): chr2:227,290,795-227,290,796, GA deleted; deleting any 2 consecutive bases within chr2:227,290,794-227,290,796 gives the same sequence; the c. name uses the placement nearest the transcript's 3' end. VCF-style (leftmost placement, unchanged base first): chr2-227290793-AAG-A. GRCh37 (hg19) VCF-style: chr2-228155509-AAG-A.
Other names: c.3119_3120delGA (NM_000091.4); short protein forms R1040fs.
Identifiers: ClinVar variation 938341 (VCV000938341.9), dbSNP rs1161799599, ClinGen allele CA539902497.